The following is an entry in ClinVar:

NM_001035.3(RYR2):c.14564T>C (p.Ile4855Thr)

Gene: RYR2 (ryanodine receptor 2; plus strand). Cytogenetic location: 1q43.
Variant type: single nucleotide variant.
Coding change: c.14564T>C on transcript NM_001035.3 (MANE Select); coding-DNA position 14564, T replaced by C.
Protein change: p.Ile4855Thr; replaces isoleucine 4855 with threonine.
Molecular consequence: missense variant.
Genome position (GRCh38, 1-based): chr1:237,819,166, T>C. VCF-style: chr1-237819166-T-C. GRCh37 (hg19) VCF-style: chr1-237982466-T-C.
Other names: short protein forms I4855T.
Identifiers: ClinVar variation 1483828 (VCV001483828.7), dbSNP rs2102825699, ClinGen allele CA345426684.

ClinVar aggregate classification (germline): Uncertain significance (1 of 4 stars; one submission).

Conditions:
Catecholaminergic polymorphic ventricular tachycardia 1. Also called: VENTRICULAR TACHYCARDIA, CATECHOLAMINERGIC POLYMORPHIC, 1, WITH OR WITHOUT ATRIAL DYSFUNCTION AND/OR DILATED CARDIOMYOPATHY; VENTRICULAR TACHYCARDIA, STRESS-INDUCED POLYMORPHIC 1; RYR2-Related Catecholaminergic Polymorphic Ventricular Tachycardia. Identifiers: Orphanet 3286, MedGen C1631597, MONDO:0011484, OMIM 604772.

Submission:

Labcorp Genetics (formerly Invitae), Labcorp
Classification: Uncertain significance for Catecholaminergic polymorphic ventricular tachycardia 1. Last evaluated: 2021-10-23. Review status: criteria provided, single submitter. Criteria: Invitae Variant Classification Sherloc (09022015). Collection method: clinical testing. Allele origin: germline.
Comment: In summary, the available evidence is currently insufficient to determine the role of this variant in disease. Therefore, it has been classified as a Variant of Uncertain Significance. Advanced modeling of protein sequence and biophysical properties (such as structural, functional, and spatial information, amino acid conservation, physicochemical variation, residue mobility, and thermodynamic stability) performed at Invitae indicates that this missense variant is expected to disrupt RYR2 protein function. This variant has not been reported in the literature in individuals affected with RYR2-related conditions. This variant is not present in population databases (ExAC no frequency). This sequence change replaces isoleucine with threonine at codon 4855 of the RYR2 protein (p.Ile4855Thr). The isoleucine residue is highly conserved and there is a moderate physicochemical difference between isoleucine and threonine.